The following is an entry in ClinVar:

NM_001321708.2(DGKI):c.722C>A (p.Ser241Ter)

Gene: DGKI (diacylglycerol kinase iota; minus strand). Cytogenetic location: 7q33.
Variant type: single nucleotide variant.
Coding change: c.722C>A on transcript NM_001321708.2 (MANE Select); coding-DNA position 722, C replaced by A.
Protein change: p.Ser241Ter; replaces serine 241 with a stop codon.
Molecular consequence: nonsense. On other transcripts: 5 prime UTR variant (2).
Genome position (GRCh38, 1-based): chr7:137,654,748, G>T on the plus strand (C>A on the coding strand, the complement: DGKI is on the minus strand). VCF-style: chr7-137654748-G-T. GRCh37 (hg19) VCF-style: chr7-137339494-G-T.
Other names: c.-179C>A (NM_001321709.2, NM_001321710.2); c.722C>A, p.Ser241Ter (NM_001388092.1, NM_004717.3); short protein forms S241*.
Identifiers: ClinVar variation 3600520 (VCV003600520.1).
Genomic context (GRCh38, chr7:137,654,748, plus strand): 5'-AGAAATCAAAGGTGATACTTGAAATCAAGCTCTGAAATACTCACTTCTCTTGGTGACCTT[G>T]AGCCTCCTTCTCGAAATGTTGGTTTACATCTGAAATTAATCTGTCATTCAAAAAGAAAAG-3'

ClinVar aggregate classification (germline): Uncertain significance (1 of 4 stars; one submission).

Submission:

Clinical Genomics Laboratory, Washington University in St. Louis
Classification: Uncertain significance. Last evaluated: 2024-09-22. Review status: criteria provided, single submitter. Criteria: ACMG Guidelines, 2015. Collection method: clinical testing. Allele origin: germline.
Comment: The DGKI c.722C>A (p.Ser241*) variant, to our knowledge, has not been reported in the medical literature and is absent from the general population (gnomAD v.2.1.1), indicating it is not a common variant. This variant causes a premature termination codon, which is predicted to lead to nonsense mediated decay. Due to limited information, the clinical significance of this variant is uncertain.